The following is an entry in ClinVar:

NM_003200.5(TCF3):c.646G>A (p.Val216Met)

Gene: TCF3 (transcription factor 3; minus strand). Cytogenetic location: 19p13.3.
Variant type: single nucleotide variant.
Coding change: c.646G>A on transcript NM_003200.5 (MANE Select); coding-DNA position 646, G replaced by A.
Protein change: p.Val216Met; replaces valine 216 with methionine.
Molecular consequence: missense variant.
Genome position (GRCh38, 1-based): chr19:1,622,319, C>T on the plus strand (G>A on the coding strand, the complement: TCF3 is on the minus strand). VCF-style: chr19-1622319-C-T. GRCh37 (hg19) VCF-style: chr19-1622318-C-T.
Other names: c.646G>A, p.Val216Met (NM_001136139.4, NM_001351778.2, NM_001351779.2); short protein forms V216M.
Identifiers: ClinVar variation 3016313 (VCV003016313.3), dbSNP rs774052015, ClinGen allele CA9050283.

ClinVar aggregate classification (germline): Uncertain significance (1 of 4 stars; one submission).

Allele frequency attached by ClinVar (database versions not stated): TOPMed 0.00001; gnomAD 0.00002; ExAC 0.00009.
gnomAD v4.1: 18 of 1,529,894 alleles (0.0012%); highest among the groups gnomAD compares: East Asian, 0.014%; no homozygotes.

Submission:

Labcorp Genetics (formerly Invitae), Labcorp
Classification: Uncertain significance. Last evaluated: 2023-02-06. Review status: criteria provided, single submitter. Criteria: Invitae Variant Classification Sherloc (09022015). Collection method: clinical testing. Allele origin: germline.
Comment: This variant has not been reported in the literature in individuals affected with TCF3-related conditions. This sequence change replaces valine, which is neutral and non-polar, with methionine, which is neutral and non-polar, at codon 216 of the TCF3 protein (p.Val216Met). This variant is present in population databases (rs774052015, gnomAD 0.05%). Advanced modeling of protein sequence and biophysical properties (such as structural, functional, and spatial information, amino acid conservation, physicochemical variation, residue mobility, and thermodynamic stability) performed at Invitae indicates that this missense variant is not expected to disrupt TCF3 protein function. In summary, the available evidence is currently insufficient to determine the role of this variant in disease. Therefore, it has been classified as a Variant of Uncertain Significance.